The following is an entry in ClinVar:

ClinVar aggregate classification (germline): Uncertain significance. Review status: criteria provided, multiple submitters, no conflicts (2 of 4 stars). 2 submissions from 2 submitters: Uncertain significance (2). Last evaluated 2024-12-04.

Conditions:
Hereditary cancer-predisposing syndrome. Also called: Neoplastic Syndromes, Hereditary; Tumor predisposition; Hereditary Cancer Syndrome; Hereditary neoplastic syndrome. Identifiers: Orphanet 140162, MedGen C0027672, MeSH D009386, MONDO:0015356.
Gastrointestinal stromal tumor. Also called: Gastrointestinal stromal tumor, somatic; Gastrointestinal stroma tumor. Identifiers: Orphanet 44890, MedGen C0238198, MeSH D046152, MONDO:0011719, OMIM 606764, HP:0100723.

Allele frequency attached by ClinVar (database versions not stated): gnomAD exomes below 0.00001.
gnomAD v4.1: 1 of 1,614,066 alleles (0.000062%); highest among the groups gnomAD compares: Non-Finnish European, 0.000085%; no homozygotes.

Submissions (2):

Ambry Genetics
Classification: Uncertain significance for Hereditary cancer-predisposing syndrome. Last evaluated: 2024-12-04. Review status: criteria provided, single submitter. Criteria: Ambry Variant Classification Scheme 2023. Collection method: clinical testing. Allele origin: germline.
Comment: The p.H162Q variant (also known as c.486C>A), located in coding exon 3 of the PDGFRA gene, results from a C to A substitution at nucleotide position 486. The histidine at codon 162 is replaced by glutamine, an amino acid with highly similar properties. This amino acid position is conserved. In addition, this alteration is predicted to be tolerated by in silico analysis. Based on the available evidence, the clinical significance of this variant remains unclear.

Labcorp Genetics (formerly Invitae), Labcorp
Classification: Uncertain significance for Gastrointestinal stromal tumor. Last evaluated: 2023-02-08. Review status: criteria provided, single submitter. Criteria: Invitae Variant Classification Sherloc (09022015). Collection method: clinical testing. Allele origin: germline.
Comment: In summary, the available evidence is currently insufficient to determine the role of this variant in disease. Therefore, it has been classified as a Variant of Uncertain Significance. Advanced modeling of protein sequence and biophysical properties (such as structural, functional, and spatial information, amino acid conservation, physicochemical variation, residue mobility, and thermodynamic stability) performed at Invitae indicates that this missense variant is not expected to disrupt PDGFRA protein function. This variant has not been reported in the literature in individuals affected with PDGFRA-related conditions. This variant is not present in population databases (gnomAD no frequency). This sequence change replaces histidine, which is basic and polar, with glutamine, which is neutral and polar, at codon 162 of the PDGFRA protein (p.His162Gln).

NM_006206.6(PDGFRA):c.486C>A (p.His162Gln)

Gene: PDGFRA (platelet derived growth factor receptor alpha; plus strand). Cytogenetic location: 4q12.
Variant type: single nucleotide variant.
Coding change: c.486C>A on transcript NM_006206.6 (MANE Select); coding-DNA position 486, C replaced by A.
Protein change: p.His162Gln; replaces histidine 162 with glutamine.
Molecular consequence: missense variant.
Genome position (GRCh38, 1-based): chr4:54,263,785, C>A. VCF-style: chr4-54263785-C-A. GRCh37 (hg19) VCF-style: chr4-55129952-C-A.
Other names: c.486C>A, p.His162Gln (NM_001347827.2, NM_001347829.2); c.561C>A, p.His187Gln (NM_001347828.2); c.525C>A, p.His175Gln (NM_001347830.2); short protein forms H175Q, H162Q, H187Q.
Identifiers: ClinVar variation 2835310 (VCV002835310.4), dbSNP rs1722882126, ClinGen allele CA356889925.